The following is an entry in ClinVar:

NM_001165963.4(SCN1A):c.3629C>A (p.Thr1210Lys)

Genes: SCN1A (sodium voltage-gated channel alpha subunit 1; minus strand), LOC102724058 (uncharacterized LOC102724058; plus strand). Cytogenetic location: 2q24.3.
Variant type: single nucleotide variant.
Coding change: c.3629C>A on transcript NM_001165963.4 (MANE Select); coding-DNA position 3629, C replaced by A.
Protein change: p.Thr1210Lys; replaces threonine 1210 with lysine.
Molecular consequence: missense variant. On other transcripts: non-coding transcript variant (1).
Genome position (GRCh38, 1-based): chr2:166,013,820, G>T on the plus strand (C>A on the coding strand, the complement: SCN1A is on the minus strand). VCF-style: chr2-166013820-G-T. GRCh37 (hg19) VCF-style: chr2-166870330-G-T.
Other names: c.3545C>A, p.Thr1182Lys (NM_001165964.3, NM_001353957.2, NM_001353958.2); c.3629C>A, p.Thr1210Lys (NM_001202435.3, NM_001353948.2); c.3596C>A, p.Thr1199Lys (NM_001353949.2, NM_001353950.2, NM_001353951.2 and 2 more transcripts); c.3593C>A, p.Thr1198Lys (NM_001353954.2, NM_001353955.2); c.3542C>A, p.Thr1181Lys (NM_001353960.2); c.1187C>A, p.Thr396Lys (NM_001353961.2); short protein forms T1199K, T1210K, T1182K, T1181K, T1198K, T396K.
Identifiers: ClinVar variation 68617 (VCV000068617.1), dbSNP rs121918738, ClinGen allele CA285129.

ClinVar aggregate classification (germline): Pathogenic. Review status: criteria provided, single submitter (1 of 4 stars). 2 submissions from 2 submitters: Pathogenic (1). 1 of the submissions does not count toward it. Last evaluated 2014-12-20.

Conditions:
Severe myoclonic epilepsy in infancy (DRVT). Also called: SEVERE MYOCLONIC EPILEPSY OF INFANCY; DEVELOPMENTAL AND EPILEPTIC ENCEPHALOPATHY 6A; Severe Myoclonic Epilepsy in Infancy (SMEI); Dravet syndrome; Epileptic encephalopathy, early infantile, 6 (Dravet syndrome). Identifiers: Orphanet 33069, MedGen C0751122, MONDO:0100135, OMIM 607208.

Submissions (2):

Center for Bioinformatics, Peking University
Classification: Pathogenic for Dravet syndrome. Last evaluated: 2014-12-20. Review status: criteria provided, single submitter. Criteria: Xu et al. (Hum Mutat. 2015). Collection method: research. Allele origin: de novo. Affected: yes. Observed: 1 variant allele. Study: University Clinical Cooperation “985 Project” PKU-2014-1-1.
Comment: Dravet syndrome (DS) probands were recruited from the outpatient and inpatient child neurology units of Peking University First Hospital from 2005 till present. The study was approved by the Ethics Committee of Peking University First Hospital and the Institutional Review Board at Peking University. Participants or their parents provided written informed consent before enrollment. We collected a total of 267 mutations from 255 families with probands diagnosed with DS in China. All probands fulfilled the clinical diagnostic criteria.

UniProtKB/Swiss-Prot
No classification provided. Condition: Severe myoclonic epilepsy in infancy. Review status: no classification provided. Collection method: not provided. Allele origin: germline. Not counted in ClinVar's aggregate classification.